The following is an entry in ClinVar:

ClinVar aggregate classification (germline): Uncertain significance (1 of 4 stars; one submission).

Conditions:
Combined immunodeficiency due to STK4 deficiency (IMD110). Also called: STK4 DEFICIENCY; MST1 DEFICIENCY; T-cell immunodeficiency, recurrent infections, and autoimmunity with or without cardiac malformations. Identifiers: Orphanet 314689, MedGen C3553943, MONDO:0013934, OMIM 614868.

Submission:

Labcorp Genetics (formerly Invitae), Labcorp
Classification: Uncertain significance for Combined immunodeficiency due to STK4 deficiency. Last evaluated: 2019-10-02. Review status: criteria provided, single submitter. Criteria: Invitae Variant Classification Sherloc (09022015). Collection method: clinical testing. Allele origin: germline.
Comment: This variant has not been reported in the literature in individuals with STK4-related conditions. Algorithms developed to predict the effect of missense changes on protein structure and function are either unavailable or do not agree on the potential impact of this missense change (SIFT: "Tolerated"; PolyPhen-2: "Possibly Damaging"; Align-GVGD: "Class C0"). In summary, the available evidence is currently insufficient to determine the role of this variant in disease. Therefore, it has been classified as a Variant of Uncertain Significance. This sequence change replaces methionine with valine at codon 235 of the STK4 protein (p.Met235Val). The methionine residue is highly conserved and there is a small physicochemical difference between methionine and valine. This variant is not present in population databases (ExAC no frequency).

NM_006282.5(STK4):c.703A>G (p.Met235Val)

Gene: STK4 (serine/threonine kinase 4; plus strand). Cytogenetic location: 20q13.12.
Variant type: single nucleotide variant.
Coding change: c.703A>G on transcript NM_006282.5 (MANE Select); coding-DNA position 703, A replaced by G.
Protein change: p.Met235Val; replaces methionine 235 with valine.
Molecular consequence: missense variant.
Genome position (GRCh38, 1-based): chr20:44,997,178, A>G. VCF-style: chr20-44997178-A-G. GRCh37 (hg19) VCF-style: chr20-43625819-A-G.
Other names: c.703A>G, p.Met235Val (NM_001352385.2); short protein forms M235V.
Identifiers: ClinVar variation 966867 (VCV000966867.8), dbSNP rs2067746549, ClinGen allele CA409124987.